The following is an entry in ClinVar:

ClinVar aggregate classification (germline): Uncertain significance (1 of 4 stars; one submission).

Conditions:
Hypophosphatasia. Also called: Phosphoethanol-aminuria. Identifiers: Orphanet 436, MedGen C0020630, MeSH D007014, MONDO:0018570.

Submission:

Genomenon, Inc
Classification: Uncertain significance for Hypophosphatasia. Last evaluated: 2026-09-01. Review status: criteria provided, single submitter. Criteria: Genomenon Sequence Variant Interpretation Standards - Updated. Collection method: curation. Allele origin: germline. Affected: yes.
Comment: ALPL p.Asp458Asn (c.1372G>A) is a missense variant that changes the amino acid at codon 458 from Aspartic acid to Asparagine. This variant has been observed in at least one proband affected with an ALPL-related disorder (PMID:32160374). It is absent or not present at a significant frequency in gnomAD. In silico models predict that this variant is possibly or probably damaging. In conclusion, we classify ALPL p.Asp458Asn (c.1372G>A) as a variant of uncertain significance.

Literature cited by the submitters: PubMed 32160374.

NM_000478.6(ALPL):c.1372G>A (p.Asp458Asn)

Gene: ALPL (alkaline phosphatase, biomineralization associated; plus strand). Cytogenetic location: 1p36.12.
Variant type: single nucleotide variant.
Coding change: c.1372G>A on transcript NM_000478.6 (MANE Select); coding-DNA position 1372, G replaced by A.
Protein change: p.Asp458Asn; replaces aspartic acid 458 with asparagine.
Molecular consequence: missense variant.
Genome position (GRCh38, 1-based): chr1:21,577,445, G>A. VCF-style: chr1-21577445-G-A. GRCh37 (hg19) VCF-style: chr1-21903938-G-A.
Other names: c.1207G>A, p.Asp403Asn (NM_001127501.4); c.1141G>A, p.Asp381Asn (NM_001177520.3); c.1372G>A, p.Asp458Asn (NM_001369803.2, NM_001369804.2, NM_001369805.2); short protein forms D381N, D403N, D458N.
Identifiers: ClinVar variation 4974791 (VCV004974791.1).
Genomic context (GRCh38, chr1:21,577,445, plus strand): 5'-CACAACAACTACCAGGCGCAGTCTGCTGTGCCCCTGCGCCACGAGACCCACGGCGGGGAG[G>A]ACGTGGCCGTCTTCTCCAAGGGCCCCATGGCGCACCTGCTGCACGGCGTCCACGAGCAGA-3'
Protein context (NP_000469.3, residues 448-468): PLRHETHGGE[Asp458Asn]VAVFSKGPMA